The following is an entry in ClinVar:

ClinVar aggregate classification (germline): Uncertain significance (1 of 4 stars; one submission).

Submission:

Labcorp Genetics (formerly Invitae), Labcorp
Classification: Uncertain significance. Last evaluated: 2021-12-19. Review status: criteria provided, single submitter. Criteria: Invitae Variant Classification Sherloc (09022015). Collection method: clinical testing. Allele origin: germline.
Comment: This sequence change replaces tyrosine, which is neutral and polar, with histidine, which is basic and polar, at codon 736 of the GRIN2D protein (p.Tyr736His). In summary, the available evidence is currently insufficient to determine the role of this variant in disease. Therefore, it has been classified as a Variant of Uncertain Significance. Algorithms developed to predict the effect of missense changes on protein structure and function are either unavailable or do not agree on the potential impact of this missense change (SIFT: "Tolerated"; PolyPhen-2: "Probably Damaging"; Align-GVGD: "Class C0"). This variant has not been reported in the literature in individuals affected with GRIN2D-related conditions. This variant is not present in population databases (gnomAD no frequency).

NM_000836.4(GRIN2D):c.2206T>C (p.Tyr736His)

Gene: GRIN2D (glutamate ionotropic receptor NMDA type subunit 2D; plus strand). Cytogenetic location: 19q13.33.
Variant type: single nucleotide variant.
Coding change: c.2206T>C on transcript NM_000836.4 (MANE Select); coding-DNA position 2206, T replaced by C.
Protein change: p.Tyr736His; replaces tyrosine 736 with histidine.
Molecular consequence: missense variant.
Genome position (GRCh38, 1-based): chr19:48,421,899, T>C. VCF-style: chr19-48421899-T-C. GRCh37 (hg19) VCF-style: chr19-48925156-T-C.
Other names: short protein forms Y736H.
Identifiers: ClinVar variation 2049366 (VCV002049366.4), dbSNP rs2513676873, ClinGen allele CA406664090.